The following is an entry in ClinVar:

NM_032539.5(SLITRK2):c.2330G>T (p.Cys777Phe)

Gene: SLITRK2 (SLIT and NTRK like family member 2; plus strand). Cytogenetic location: Xq27.3.
Variant type: single nucleotide variant.
Coding change: c.2330G>T on transcript NM_032539.5 (MANE Select); coding-DNA position 2330, G replaced by T.
Protein change: p.Cys777Phe; replaces cysteine 777 with phenylalanine.
Molecular consequence: missense variant.
Genome position (GRCh38, 1-based): chrX:145,824,755, G>T. VCF-style: chrX-145824755-G-T. GRCh37 (hg19) VCF-style: chrX-144906273-G-T.
Other names: c.2330G>T, p.Cys777Phe (NM_001144003.3, NM_001144004.3, NM_001144005.3 and 4 more transcripts); short protein forms C777F.
Identifiers: ClinVar variation 3775423 (VCV003775423.1).

ClinVar aggregate classification (germline): Uncertain significance (1 of 4 stars; one submission).

Conditions:
Intellectual developmental disorder, X-linked 111 (XLID111). Identifiers: MedGen C5829568, MONDO:0957203, OMIM 301107.

gnomAD v4.1: 1 of 1,211,213 alleles (0.000083%); highest among the groups gnomAD compares: Non-Finnish European, 0.00011%; no homozygotes.

Submission:

3billion
Classification: Uncertain significance for Intellectual developmental disorder, X-linked 111. Last evaluated: 2023-07-17. Review status: criteria provided, single submitter. Criteria: ACMG Guidelines, 2015. Collection method: clinical testing. Allele origin: germline. Affected: yes.
Comment: The variant is not observed in the gnomAD v2.1.1 dataset. Predicted Consequence/Location: Missense changes are a common disease-causing mechanism. In silico tool predictions suggest no damaging effect of the variant on gene or gene product (REVEL: 0.35; 3Cnet: 0.02). Therefore, this variant is classified as VUS according to the recommendation of ACMG/AMP guideline.